The following is an entry in ClinVar:

ClinVar aggregate classification (germline): Uncertain significance. Review status: criteria provided, multiple submitters, no conflicts (2 of 4 stars). 3 submissions from 3 submitters: Uncertain significance (3). Last evaluated 2025-02-28.

Conditions:
Mitochondrial DNA depletion syndrome 9 (MTDPS9). Also called: SUCLG1-Related Mitochondrial DNA Depletion Syndrome, Encephalomyopathic Form with Methylmalonic Aciduria. Identifiers: Orphanet 17, MedGen C3151476, MONDO:0009504, OMIM 245400.

Allele frequency attached by ClinVar (database versions not stated): gnomAD 0.00002 and 0.00003; gnomAD exomes 0.00005 and 0.00009; ExAC 0.00012; 1000 Genomes Project 30x 0.00031; 1000 Genomes Project 0.00040.

Submissions (3):

Mayo Clinic Laboratories, Mayo Clinic
Classification: Uncertain significance. Last evaluated: 2025-02-28. Review status: criteria provided, single submitter. Criteria: ACMG Guidelines, 2015. Collection method: clinical testing. Allele origin: germline. Observed: 1 variant allele.

Labcorp Genetics (formerly Invitae), Labcorp
Classification: Uncertain significance for Mitochondrial DNA depletion syndrome 9. Last evaluated: 2023-12-28. Review status: criteria provided, single submitter. Criteria: Invitae Variant Classification Sherloc (09022015). Collection method: clinical testing. Allele origin: germline.
Comment: This sequence change replaces arginine, which is basic and polar, with tryptophan, which is neutral and slightly polar, at codon 47 of the SUCLG1 protein (p.Arg47Trp). This variant is present in population databases (rs200031508, gnomAD 0.03%). This variant has not been reported in the literature in individuals affected with SUCLG1-related conditions. ClinVar contains an entry for this variant (Variation ID: 1473488). Advanced modeling of protein sequence and biophysical properties (such as structural, functional, and spatial information, amino acid conservation, physicochemical variation, residue mobility, and thermodynamic stability) has been performed at Invitae for this missense variant, however the output from this modeling did not meet the statistical confidence thresholds required to predict the impact of this variant on SUCLG1 protein function. In summary, the available evidence is currently insufficient to determine the role of this variant in disease. Therefore, it has been classified as a Variant of Uncertain Significance.

GeneDx
Classification: Uncertain significance. Last evaluated: 2023-10-27. Review status: criteria provided, single submitter. Criteria: GeneDx Variant Classification Process June 2021. Collection method: clinical testing. Allele origin: germline. Affected: yes.
Comment: In silico analysis supports that this missense variant has a deleterious effect on protein structure/function; Has not been previously published as pathogenic or benign to our knowledge

NM_003849.4(SUCLG1):c.139C>T (p.Arg47Trp)

Gene: SUCLG1 (succinate-CoA ligase GDP/ADP-forming subunit alpha; minus strand). Cytogenetic location: 2p11.2.
Variant type: single nucleotide variant.
Coding change: c.139C>T on transcript NM_003849.4 (MANE Select); coding-DNA position 139, C replaced by T.
Protein change: p.Arg47Trp; replaces arginine 47 with tryptophan.
Molecular consequence: missense variant.
Genome position (GRCh38, 1-based): chr2:84,449,711, G>A on the plus strand (C>T on the coding strand, the complement: SUCLG1 is on the minus strand). VCF-style: chr2-84449711-G-A. GRCh37 (hg19) VCF-style: chr2-84676835-G-A.
Other names: p.Arg47Trp; c.139C>T (NM_003849.3); short protein forms R47W.
Identifiers: ClinVar variation 1473488 (VCV001473488.6), dbSNP rs200031508, ClinGen allele CA1736413.